The following is an entry in ClinVar:

NM_000051.4(ATM):c.8594T>G (p.Ile2865Arg)

Genes: ATM (ATM serine/threonine kinase; plus strand), C11orf65 (chromosome 11 open reading frame 65; minus strand). Cytogenetic location: 11q22.3.
Variant type: single nucleotide variant.
Coding change: c.8594T>G on transcript NM_000051.4 (MANE Select); coding-DNA position 8594, T replaced by G.
Protein change: p.Ile2865Arg; replaces isoleucine 2865 with arginine.
Molecular consequence: missense variant. On other transcripts: intron variant (2).
Genome position (GRCh38, 1-based): chr11:108,347,288, T>G. VCF-style: chr11-108347288-T-G. GRCh37 (hg19) VCF-style: chr11-108218015-T-G.
Other names: c.8594T>G, p.Ile2865Arg (NM_001351834.2); c.641-38217A>C (NM_001330368.2); c.695-11996A>C (NM_001351110.2); short protein forms I2865R.
Identifiers: ClinVar variation 947723 (VCV000947723.10), dbSNP rs587779873, ClinGen allele CA382520401.

ClinVar aggregate classification (germline): Uncertain significance (1 of 4 stars; one submission).

Conditions:
Ataxia-telangiectasia syndrome (AT). Also called: Ataxia-telangiectasia, complementation group D; AT, COMPLEMENTATION GROUP C; ATAXIA-TELANGIECTASIA, COMPLEMENTATION GROUP A; ATAXIA-TELANGIECTASIA, FRESNO VARIANT; Ataxia-telangiectasia; Ataxia telangiectasia (A-T). Identifiers: Orphanet 100, MedGen C0004135, MONDO:0008840, OMIM 208900.

Submission:

Labcorp Genetics (formerly Invitae), Labcorp
Classification: Uncertain significance for Ataxia-telangiectasia syndrome. Last evaluated: 2020-01-16. Review status: criteria provided, single submitter. Criteria: Invitae Variant Classification Sherloc (09022015). Collection method: clinical testing. Allele origin: germline.
Comment: This sequence change replaces isoleucine with arginine at codon 2865 of the ATM protein (p.Ile2865Arg). The isoleucine residue is moderately conserved and there is a moderate physicochemical difference between isoleucine and arginine. In summary, the available evidence is currently insufficient to determine the role of this variant in disease. Therefore, it has been classified as a Variant of Uncertain Significance. Algorithms developed to predict the effect of sequence changes on RNA splicing suggest that this variant may create or strengthen a splice site, but this prediction has not been confirmed by published transcriptional studies. Algorithms developed to predict the effect of missense changes on protein structure and function (SIFT, PolyPhen-2, Align-GVGD) all suggest that this variant is likely to be disruptive, but these predictions have not been confirmed by published functional studies and their clinical significance is uncertain. This variant has not been reported in the literature in individuals with ATM-related conditions. This variant is not present in population databases (ExAC no frequency).